The following is an entry in ClinVar:

ClinVar aggregate classification (germline): Likely benign. Review status: criteria provided, multiple submitters, no conflicts (2 of 4 stars). 3 submissions from 3 submitters: Likely benign (3). Last evaluated 2026-01-01.

Submissions (3):

CeGaT Center for Human Genetics Tuebingen
Classification: Likely benign. Last evaluated: 2026-01-01. Review status: criteria provided, single submitter. Criteria: CeGaT Center For Human Genetics Tuebingen Variant Classification Criteria Version 2. Collection method: clinical testing. Allele origin: germline. Affected: yes. Observed: 1 variant allele.
Comment: LOX: BP4, BS2

Women's Health and Genetics/Laboratory Corporation of America, LabCorp
Classification: Likely benign. Last evaluated: 2025-07-24. Review status: criteria provided, single submitter. Criteria: LabCorp Variant Classification Summary - May 2015. Collection method: clinical testing. Allele origin: germline.
Comment: Variant summary: LOX c.1036-11_1036-8delGTTT alters a nucleotide located at a position not widely known to affect splicing. Consensus agreement among computation tools predict no significant impact on normal splicing. However, these predictions have yet to be confirmed by functional studies. The variant allele was found at a frequency of 1.3e-05 in 234818 control chromosomes. The available data on variant occurrences in the general population are insufficient to allow any conclusion about variant significance. To our knowledge, no occurrence of c.1036-11_1036-8delGTTT in individuals affected with Aortopathy and no experimental evidence demonstrating its impact on protein function have been reported. ClinVar contains an entry for this variant (Variation ID: 1460513). Based on the evidence outlined above, the variant was classified as likely benign.

Labcorp Genetics (formerly Invitae), Labcorp
Classification: Likely benign. Last evaluated: 2024-02-19. Review status: criteria provided, single submitter. Criteria: Invitae Variant Classification Sherloc (09022015). Collection method: clinical testing. Allele origin: germline.

NM_002317.7(LOX):c.1036-11_1036-8del

Genes: LOX (lysyl oxidase; minus strand), SRFBP1 (serum response factor binding protein 1; plus strand). Cytogenetic location: 5q23.1.
Variant type: Deletion.
Coding change: c.1036-11_1036-8del on transcript NM_002317.7 (MANE Select); 11 bases into the intron before coding-DNA position 1036 through 8 bases into the intron before coding-DNA position 1036, 4 bases deleted (GTTT; older notation c.1036-11_1036-8delGTTT).
Molecular consequence: intron variant.
Genome position (GRCh38, 1-based): chr5:122,070,597-122,070,600, AAAC deleted on the plus strand (GTTT on the coding strand, the reverse complement: LOX is on the minus strand); deleting any 4 consecutive bases within chr5:122,070,597-122,070,603 gives the same sequence; the c. name uses the placement nearest the transcript's 3' end. VCF-style (leftmost placement, unchanged base first): chr5-122070596-TAAAC-T. GRCh37 (hg19) VCF-style: chr5-121406291-TAAAC-T.
Other names: c.346-11_346-8del (NM_001178102.2); c.145-11_145-8del (NM_001317073.1); c.1036-11_1036-8delGTTT (NM_002317.7).
Identifiers: ClinVar variation 1460513 (VCV001460513.11), dbSNP rs750669899, ClinGen allele CA3383858.
Genomic context (GRCh38, chr5:122,070,596, plus strand): 5'-CCACTGGCAGTCTATGTCTGCACCATAGGTATCATAACAGCCAGGACTCAATCCCTAAGA[TAAAC>T]AAAATAAAAAATTTAAAATTATGGTATGTGGTCAGACTATGATAAATAATATGCTATTAT-3'